The following is an entry in ClinVar:

ClinVar aggregate classification (germline): Uncertain significance (1 of 4 stars; one submission).

gnomAD v4.1: 2 of 1,602,912 alleles (0.00012%); highest among the groups gnomAD compares: Non-Finnish European, 0.00017%; no homozygotes.

Submission:

Labcorp Genetics (formerly Invitae), Labcorp
Classification: Uncertain significance. Last evaluated: 2025-02-10. Review status: criteria provided, single submitter. Criteria: Invitae Variant Classification Sherloc (09022015). Collection method: clinical testing. Allele origin: germline.
Comment: This sequence change replaces arginine, which is basic and polar, with leucine, which is neutral and non-polar, at codon 347 of the SLC18A3 protein (p.Arg347Leu). This variant is not present in population databases (gnomAD no frequency). This variant has not been reported in the literature in individuals affected with SLC18A3-related conditions. ClinVar contains an entry for this variant (Variation ID: 1517090). Invitae Evidence Modeling of protein sequence and biophysical properties (such as structural, functional, and spatial information, amino acid conservation, physicochemical variation, residue mobility, and thermodynamic stability) indicates that this missense variant is not expected to disrupt SLC18A3 protein function with a negative predictive value of 80%. In summary, the available evidence is currently insufficient to determine the role of this variant in disease. Therefore, it has been classified as a Variant of Uncertain Significance.

NM_003055.3(SLC18A3):c.1040G>T (p.Arg347Leu)

Genes: CHAT (choline O-acetyltransferase; plus strand), SLC18A3 (solute carrier family 18 member A3; plus strand). Cytogenetic location: 10q11.23.
Variant type: single nucleotide variant.
Coding change: c.1040G>T on transcript NM_003055.3 (MANE Select); coding-DNA position 1040, G replaced by T.
Protein change: p.Arg347Leu; replaces arginine 347 with leucine.
Molecular consequence: missense variant. On other transcripts: intron variant (1).
Genome position (GRCh38, 1-based): chr10:49,611,780, G>T. VCF-style: chr10-49611780-G-T. GRCh37 (hg19) VCF-style: chr10-50819826-G-T.
Other names: c.-69+2581G>T (NM_020984.4); short protein forms R347L.
Identifiers: ClinVar variation 1517090 (VCV001517090.7), dbSNP rs913755733, ClinGen allele CA206621352.